The following is an entry in ClinVar:

ClinVar aggregate classification (germline): Benign/Likely benign. Review status: criteria provided, multiple submitters, no conflicts (2 of 4 stars). 3 submissions from 3 submitters: Benign (1); Likely benign (2). Last evaluated 2026-01-06.

Conditions:
Long QT syndrome (LQTS). Identifiers: MedGen C0023976, MeSH D008133, MONDO:0002442. Disease mechanism: loss of function. Inheritance: Various modes of inheritance.
Cardiovascular phenotype. Identifiers: MedGen CN230736.

Allele frequency attached by ClinVar (database versions not stated): gnomAD 0.00001; TOPMed 0.00001; gnomAD exomes 0.00003; ExAC 0.00006.
gnomAD v4.1: 38 of 1,608,130 alleles (0.0024%); highest among the groups gnomAD compares: Non-Finnish European, 0.0031%; no homozygotes.

Submissions (3):

Labcorp Genetics (formerly Invitae), Labcorp
Classification: Likely benign for Long QT syndrome. Last evaluated: 2026-01-06. Review status: criteria provided, single submitter. Criteria: Invitae Variant Classification Sherloc (09022015). Collection method: clinical testing. Allele origin: germline.

Ambry Genetics
Classification: Likely benign for Cardiovascular phenotype. Last evaluated: 2022-05-20. Review status: criteria provided, single submitter. Criteria: Ambry Variant Classification Scheme 2023. Collection method: clinical testing. Allele origin: germline.

Women's Health and Genetics/Laboratory Corporation of America, LabCorp
Classification: Benign. Last evaluated: 2017-02-03. Review status: criteria provided, single submitter. Criteria: LabCorp Variant Classification Summary - May 2015. Collection method: clinical testing. Allele origin: germline.
Comment: Variant summary: The CACNA1C c.1428C>T (p.Thr476Thr) variant involves the alteration of a non-conserved nucleotide, resulting in a synonymous change. One in silico tool predicts a damaging outcome for this variant. 5/5 splice prediction tools predict no significant impact on normal splicing. However, these predictions have yet to be confirmed by functional studies. This variant was found in 4/69844 control chromosomes, predominantly observed in the European (Non-Finnish) subpopulation at a frequency of 0.000099 (4/40454). This frequency is about 10 times the estimated maximal expected allele frequency of a pathogenic CACNA1C variant (0.00001), suggesting this is likely a benign polymorphism found primarily in the populations of European (Non-Finnish) origin. The variant of interest has not, to our knowledge, been reported in affected individuals via publications and/or reputable databases/clinical diagnostic laboratories; nor evaluated for functional impact by in vivo/vitro studies. Taken together, this variant is classified as benign.

NM_000719.7(CACNA1C):c.1428C>T (p.Thr476=)

Gene: CACNA1C (calcium voltage-gated channel subunit alpha1 C; plus strand). Cytogenetic location: 12p13.33.
Variant type: single nucleotide variant.
Coding change: c.1428C>T on transcript NM_000719.7 (MANE Select); coding-DNA position 1428, C replaced by T.
Protein change: p.Thr476=; no amino-acid change (threonine 476 retained).
Molecular consequence: synonymous variant.
Genome position (GRCh38, 1-based): chr12:2,549,980, C>T. VCF-style: chr12-2549980-C-T. GRCh37 (hg19) VCF-style: chr12-2659146-C-T.
Other names: c.1428C>T, p.Thr476= (NM_001129827.2, NM_001129829.2, NM_001129830.3 and 18 more transcripts); c.1419C>T, p.Thr473= (NM_001129844.2).
Identifiers: ClinVar variation 496069 (VCV000496069.11), dbSNP rs750843602, ClinGen allele CA6388732.
Genomic context (GRCh38, chr12:2,549,980, plus strand): 5'-CTGCTTCCCTTTGACTCTTGCAGTGAGCATGCCCACCAGTGAGACCGAGTCCGTCAACAC[C>T]GAAAACGTGGCTGGAGGTGACATCGAGGGAGAAAACTGCGGGGCCAGGCTGGCGTGAGTA-3'
Protein context (NP_000710.5, residues 466-486): MPTSETESVN[Thr476=]ENVAGGDIEG